The following is an entry in ClinVar:

NM_005228.5(EGFR):c.3202C>G (p.Arg1068Gly)

Gene: EGFR (epidermal growth factor receptor; plus strand). Cytogenetic location: 7p11.2.
Variant type: single nucleotide variant.
Coding change: c.3202C>G on transcript NM_005228.5 (MANE Select); coding-DNA position 3202, C replaced by G.
Protein change: p.Arg1068Gly; replaces arginine 1068 with glycine.
Molecular consequence: missense variant.
Genome position (GRCh38, 1-based): chr7:55,202,556, C>G. VCF-style: chr7-55202556-C-G. GRCh37 (hg19) VCF-style: chr7-55270249-C-G.
Other names: c.3067C>G, p.Arg1023Gly (NM_001346897.2, NM_001346899.2); c.3202C>G, p.Arg1068Gly (NM_001346898.2); c.3043C>G, p.Arg1015Gly (NM_001346900.2); c.2401C>G, p.Arg801Gly (NM_001346941.2); short protein forms R1068G, R801G, R1023G, R1015G.
Identifiers: ClinVar variation 3718458 (VCV003718458.2).

ClinVar aggregate classification (germline): Uncertain significance (1 of 4 stars; one submission).

Conditions:
EGFR-related lung cancer (EGFR). Identifiers: MedGen CN130014.

Submission:

Labcorp Genetics (formerly Invitae), Labcorp
Classification: Uncertain significance for EGFR-related lung cancer. Last evaluated: 2024-10-15. Review status: criteria provided, single submitter. Criteria: Invitae Variant Classification Sherloc (09022015). Collection method: clinical testing. Allele origin: germline.
Comment: This sequence change replaces arginine, which is basic and polar, with glycine, which is neutral and non-polar, at codon 1068 of the EGFR protein (p.Arg1068Gly). This variant is not present in population databases (gnomAD no frequency). This variant has not been reported in the literature in individuals affected with EGFR-related conditions. An algorithm developed to predict the effect of missense changes on protein structure and function (PolyPhen-2) suggests that this variant is likely to be tolerated. In summary, the available evidence is currently insufficient to determine the role of this variant in disease. Therefore, it has been classified as a Variant of Uncertain Significance.